The following is an entry in ClinVar:

ClinVar aggregate classification (germline): Uncertain significance (1 of 4 stars; one submission).

Conditions:
Hereditary cancer-predisposing syndrome. Also called: Neoplastic Syndromes, Hereditary; Hereditary Cancer Syndrome; Hereditary neoplastic syndrome; Tumor predisposition. Identifiers: Orphanet 140162, MedGen C0027672, MeSH D009386, MONDO:0015356.

Submission:

Ambry Genetics
Classification: Uncertain significance for Hereditary cancer-predisposing syndrome. Last evaluated: 2023-03-20. Review status: criteria provided, single submitter. Criteria: Ambry Variant Classification Scheme 2023. Collection method: clinical testing. Allele origin: germline.
Comment: The p.A421V variant (also known as c.1262C>T), located in coding exon 4 of the BARD1 gene, results from a C to T substitution at nucleotide position 1262. The alanine at codon 421 is replaced by valine, an amino acid with similar properties. This amino acid position is conserved. In addition, this alteration is predicted to be tolerated by in silico analysis. Since supporting evidence is limited at this time, the clinical significance of this alteration remains unclear.

NM_000465.4(BARD1):c.1262C>T (p.Ala421Val)

Gene: BARD1 (BRCA1 associated RING domain 1; minus strand). Cytogenetic location: 2q35.
Variant type: single nucleotide variant.
Coding change: c.1262C>T on transcript NM_000465.4 (MANE Select); coding-DNA position 1262, C replaced by T.
Protein change: p.Ala421Val; replaces alanine 421 with valine.
Molecular consequence: missense variant. On other transcripts: non-coding transcript variant (2), intron variant (3).
Genome position (GRCh38, 1-based): chr2:214,780,612, G>A on the plus strand (C>T on the coding strand, the complement: BARD1 is on the minus strand). VCF-style: chr2-214780612-G-A. GRCh37 (hg19) VCF-style: chr2-215645336-G-A.
Other names: c.1205C>T, p.Ala402Val (NM_001282543.2); c.159-28057C>T (NM_001282548.2); c.215+16449C>T (NM_001282545.2); c.364+11685C>T (NM_001282549.2); short protein forms A421V, A402V.
Identifiers: ClinVar variation 2565198 (VCV002565198.2), dbSNP rs766209380, ClinGen allele CA350453497.
Genomic context (GRCh38, chr2:214,780,612, plus strand): 5'-CATCCTACCTTAATAGAAGCAATATGGAGCAAAGTCTCTCCTCTATGATTTCTTTTCACA[G>A]CCATATTGGGCAACAGCTTCATTGCTGAGGGACTAGACATCACTCGCCTGTAACTTGAAC-3'
Protein context (NP_000456.2, residues 411-431): PSAMKLLPNM[Ala421Val]VKRNHRGETL